The following is an entry in ClinVar:

NM_004006.3(DMD):c.5587-306A>C

Gene: DMD (dystrophin; minus strand). Cytogenetic location: Xp21.1.
Variant type: single nucleotide variant.
Coding change: c.5587-306A>C on transcript NM_004006.3 (MANE Select); 306 bases into the intron before coding-DNA position 5587, A replaced by C.
Molecular consequence: intron variant.
Genome position (GRCh38, 1-based): chrX:32,343,592, T>G on the plus strand (A>C on the coding strand, the complement: DMD is on the minus strand). VCF-style: chrX-32343592-T-G. GRCh37 (hg19) VCF-style: chrX-32361709-T-G.
Other names: c.5563-306A>C (NM_000109.4); c.1564-306A>C (NM_004011.4); c.1555-306A>C (NM_004012.4); c.5575-306A>C (NM_004009.3); c.5218-306A>C (NM_004010.3).
Identifiers: ClinVar variation 680533 (VCV000680533.1), dbSNP rs1456731, ClinGen allele CA15027254.
Genomic context (GRCh38, chrX:32,343,592, plus strand): 5'-GCTTAAAAATTTTGTCACATTCAATTGACTCTTAATGAGCTAACTGTTGTGTAGTTTATG[T>G]GCAAGAGTTTAATATACGAATACAATTGACTTAACTAGATACAAACTCACAAACCTAGTG-3'

ClinVar aggregate classification (germline): Benign (1 of 4 stars; one submission).

Allele frequency attached by ClinVar (database versions not stated): gnomAD 0.48621 and 0.49812; TOPMed 0.49489; 1000 Genomes Project 30x 0.51925; 1000 Genomes Project 0.52689.
gnomAD v4.1: 54,824 of 109,809 alleles (50%); highest among the groups gnomAD compares: South Asian, 75%; 11,051 homozygotes.

Submission:

GeneDx
Classification: Benign. Last evaluated: 2018-06-14. Review status: criteria provided, single submitter. Criteria: GeneDx Variant Classification (06012015). Collection method: clinical testing. Allele origin: germline. Affected: yes.
Comment: This variant is considered likely benign or benign based on one or more of the following criteria: it is a conservative change, it occurs at a poorly conserved position in the protein, it is predicted to be benign by multiple in silico algorithms, and/or has population frequency not consistent with disease.